The following is an entry in ClinVar:

NM_001104.4(ACTN3):c.1784C>A (p.Thr595Lys)

Gene: ACTN3 (actinin alpha 3; plus strand). Cytogenetic location: 11q13.2.
Variant type: single nucleotide variant.
Coding change: c.1784C>A on transcript NM_001104.4 (MANE Select); coding-DNA position 1784, C replaced by A.
Protein change: p.Thr595Lys; replaces threonine 595 with lysine.
Molecular consequence: missense variant.
Genome position (GRCh38, 1-based): chr11:66,560,679, C>A. VCF-style: chr11-66560679-C-A. GRCh37 (hg19) VCF-style: chr11-66328150-C-A.
Other names: c.1913C>A, p.Thr638Lys (NM_001258371.3); short protein forms T595K, T638K.
Identifiers: ClinVar variation 3042469 (VCV003042469.3), dbSNP rs377076795, ClinGen allele CA6124850.

ClinVar aggregate classification (germline): Likely benign. Review status: criteria provided, single submitter (1 of 4 stars). 2 submissions from 2 submitters: Likely benign (1). 1 of the submissions does not count toward it. Last evaluated 2024-11-06.

Conditions:
ACTN3-related disorder. Also called: ACTN3-related condition.

Allele frequency attached by ClinVar (database versions not stated): 1000 Genomes Project 30x 0.00078; 1000 Genomes Project 0.00080.
gnomAD v4.1: 654 of 1,613,954 alleles (0.041%); highest among the groups gnomAD compares: South Asian, 0.67%; 6 homozygotes.

Submissions (2):

Blueprint Genetics
Classification: Likely benign. Last evaluated: 2024-11-06. Review status: criteria provided, single submitter. Criteria: ACMG Guidelines, 2015. Collection method: clinical testing. Allele origin: germline.

PreventionGenetics, part of Exact Sciences
Classification: Likely benign for ACTN3-related condition. Last evaluated: 2019-06-27. Review status: no assertion criteria provided. Collection method: clinical testing. Allele origin: germline. Not counted in ClinVar's aggregate classification.
Comment: This variant is classified as likely benign based on ACMG/AMP sequence variant interpretation guidelines (Richards et al. 2015 PMID: 25741868, with internal and published modifications).